The following is an entry in ClinVar:

NM_024496.4(IRF2BPL):c.2233G>A (p.Glu745Lys)

Gene: IRF2BPL (interferon regulatory factor 2 binding protein like; minus strand). Cytogenetic location: 14q24.3.
Variant type: single nucleotide variant.
Coding change: c.2233G>A on transcript NM_024496.4 (MANE Select); coding-DNA position 2233, G replaced by A.
Protein change: p.Glu745Lys; replaces glutamic acid 745 with lysine.
Molecular consequence: missense variant.
Genome position (GRCh38, 1-based): chr14:77,025,560, C>T on the plus strand (G>A on the coding strand, the complement: IRF2BPL is on the minus strand). VCF-style: chr14-77025560-C-T. GRCh37 (hg19) VCF-style: chr14-77491903-C-T.
Other names: short protein forms E745K.
Identifiers: ClinVar variation 5020504 (VCV005020504.1).

ClinVar aggregate classification (germline): Uncertain significance (1 of 4 stars; one submission).

Submission:

Dasa
Classification: Uncertain significance. Last evaluated: 2026-05-22. Review status: criteria provided, single submitter. Criteria: DASA Assertion Criteria. Collection method: clinical testing. Allele origin: germline.
Comment: NM_024496.4(IRF2BPL):c.2233G>A (p.Glu745Lys) is a missense variant that results in the substitution of glutamic acid with lysine. This variant is rare in population databases. The currently available literature and clinical evidence are not sufficient to establish a definitive association between this variant and the reported condition. Therefore, this variant is classified as a variant of uncertain significance.